The following is an entry in ClinVar:

NM_005188.4(CBL):c.1129del (p.Thr377fs)

Gene: CBL (Cbl proto-oncogene; plus strand). Cytogenetic location: 11q23.3.
Variant type: Deletion.
Coding change: c.1129del on transcript NM_005188.4 (MANE Select); coding-DNA position 1129, one base deleted (A; older notation c.1129delA).
Protein change: p.Thr377fs; shifts the reading frame from threonine 377.
Molecular consequence: frameshift variant.
Genome position (GRCh38, 1-based): chr11:119,278,199, A deleted. VCF-style (leftmost placement, unchanged base first): chr11-119278198-CA-C. GRCh37 (hg19) VCF-style: chr11-119148908-CA-C.
Other names: short protein forms T377fs.
Identifiers: ClinVar variation 2046695 (VCV002046695.4), dbSNP rs2496939410, ClinGen allele CA2580083686.

ClinVar aggregate classification (germline): Uncertain significance (1 of 4 stars; one submission).

Conditions:
RASopathy. Also called: Noonan spectrum disorder; rasopathies. Identifiers: Orphanet 536391, MedGen C5555857, MONDO:0021060.

Submission:

Labcorp Genetics (formerly Invitae), Labcorp
Classification: Uncertain significance for RASopathy. Last evaluated: 2021-12-18. Review status: criteria provided, single submitter. Criteria: Invitae Variant Classification Sherloc (09022015). Collection method: clinical testing. Allele origin: germline.
Comment: In summary, the available evidence is currently insufficient to determine the role of this variant in disease. Therefore, it has been classified as a Variant of Uncertain Significance. Experimental studies and prediction algorithms are not available or were not evaluated, and the functional significance of this variant is currently unknown. This variant has not been reported in the literature in individuals affected with CBL-related conditions. This variant is not present in population databases (gnomAD no frequency). This sequence change creates a premature translational stop signal (p.Thr377Hisfs*15) in the CBL gene. It is expected to result in an absent or disrupted protein product. However, the current clinical and genetic evidence is not sufficient to establish whether loss-of-function variants in CBL cause disease.